The following is an entry in ClinVar:

ClinVar aggregate classification (germline): Uncertain significance. Review status: criteria provided, multiple submitters, no conflicts (2 of 4 stars). 3 submissions from 3 submitters: Uncertain significance (3). Last evaluated 2025-08-07.

Allele frequency attached by ClinVar (database versions not stated): ExAC 0.00001; gnomAD 0.00002; TOPMed 0.00002; gnomAD exomes 0.00006.
gnomAD v4.1: 100 of 1,613,724 alleles (0.0062%); highest among the groups gnomAD compares: Non-Finnish European, 0.0079%; no homozygotes.

Submissions (3):

Labcorp Genetics (formerly Invitae), Labcorp
Classification: Uncertain significance. Last evaluated: 2025-08-07. Review status: criteria provided, single submitter. Criteria: Invitae Variant Classification Sherloc (09022015). Collection method: clinical testing. Allele origin: germline.
Comment: This sequence change replaces leucine, which is neutral and non-polar, with phenylalanine, which is neutral and non-polar, at codon 948 of the SPTA1 protein (p.Leu948Phe). This variant is present in population databases (rs780450572, gnomAD 0.006%). This variant has not been reported in the literature in individuals affected with SPTA1-related conditions. ClinVar contains an entry for this variant (Variation ID: 2436380). Invitae Evidence Modeling of protein sequence and biophysical properties (such as structural, functional, and spatial information, amino acid conservation, physicochemical variation, residue mobility, and thermodynamic stability) indicates that this missense variant is expected to disrupt SPTA1 protein function with a positive predictive value of 80%. In summary, the available evidence is currently insufficient to determine the role of this variant in disease. Therefore, it has been classified as a Variant of Uncertain Significance.

Ambry Genetics
Classification: Uncertain significance. Last evaluated: 2024-05-08. Review status: criteria provided, single submitter. Criteria: Ambry Variant Classification Scheme 2023. Collection method: clinical testing. Allele origin: germline.

Revvity Omics, Revvity
Classification: Uncertain significance. Last evaluated: 2022-08-11. Review status: criteria provided, single submitter. Criteria: ACMG Guidelines, 2015. Collection method: clinical testing. Allele origin: germline.

NM_003126.4(SPTA1):c.2842C>T (p.Leu948Phe)

Gene: SPTA1 (spectrin alpha, erythrocytic 1; minus strand). Cytogenetic location: 1q23.1.
Variant type: single nucleotide variant.
Coding change: c.2842C>T on transcript NM_003126.4 (MANE Select); coding-DNA position 2842, C replaced by T.
Protein change: p.Leu948Phe; replaces leucine 948 with phenylalanine.
Molecular consequence: missense variant.
Genome position (GRCh38, 1-based): chr1:158,656,620, G>A on the plus strand (C>T on the coding strand, the complement: SPTA1 is on the minus strand). VCF-style: chr1-158656620-G-A. GRCh37 (hg19) VCF-style: chr1-158626410-G-A.
Other names: c.2842C>T (NM_003126.2); short protein forms L948F.
Identifiers: ClinVar variation 2436380 (VCV002436380.5), dbSNP rs780450572, ClinGen allele CA1183263.